The following is an entry in ClinVar:

ClinVar aggregate classification (germline): Likely benign. Review status: criteria provided, multiple submitters, no conflicts (2 of 4 stars). 4 submissions from 4 submitters: Likely benign (2). 2 of the submissions do not count toward it. Last evaluated 2023-11-11.

Conditions:
Tyrosinemia type I (TYRSN1). Also called: Tyrosinemia type 1; Fumarylacetoacetase deficiency; HEPATORENAL TYROSINEMIA; FAH DEFICIENCY; Deficiency of fumarylacetoacetase. Identifiers: Orphanet 882, MedGen C0268490, MONDO:0010161, OMIM 276700. Disease mechanism: loss of function.
FAH-related disorder. Also called: FAH-related condition.

Allele frequency attached by ClinVar (database versions not stated): TOPMed 0.00001; gnomAD 0.00004 and 0.00005; 1000 Genomes Project 30x 0.00031; 1000 Genomes Project 0.00040.
gnomAD v4.1: 47 of 1,613,932 alleles (0.0029%); highest among the groups gnomAD compares: Non-Finnish European, 0.0036%; no homozygotes.

Submissions (4):

Labcorp Genetics (formerly Invitae), Labcorp
Classification: Likely benign for Tyrosinemia type I. Last evaluated: 2023-11-11. Review status: criteria provided, single submitter. Criteria: Invitae Variant Classification Sherloc (09022015). Collection method: clinical testing. Allele origin: germline.

CeGaT Center for Human Genetics Tuebingen
Classification: Likely benign. Last evaluated: 2023-08-01. Review status: criteria provided, single submitter. Criteria: CeGaT Center For Human Genetics Tuebingen Variant Classification Criteria Version 2. Collection method: clinical testing. Allele origin: germline. Affected: yes. Observed: 1 variant allele.
Comment: FAH: BP4, BP7

PreventionGenetics, part of Exact Sciences
Classification: Likely benign for FAH-related condition. Last evaluated: 2023-01-31. Review status: no assertion criteria provided. Collection method: clinical testing. Allele origin: germline. Not counted in ClinVar's aggregate classification.
Comment: This variant is classified as likely benign based on ACMG/AMP sequence variant interpretation guidelines (Richards et al. 2015 PMID: 25741868, with internal and published modifications).

Natera, Inc.
Classification: Likely benign for Tyrosinemia type I. Last evaluated: 2020-10-30. Review status: no assertion criteria provided. Collection method: clinical testing. Allele origin: germline. Not counted in ClinVar's aggregate classification.

NM_000137.4(FAH):c.441G>A (p.Ala147=)

Gene: FAH (fumarylacetoacetate hydrolase; plus strand). Cytogenetic location: 15q25.1.
Variant type: single nucleotide variant.
Coding change: c.441G>A on transcript NM_000137.4 (MANE Select); coding-DNA position 441, G replaced by A.
Protein change: p.Ala147=; no amino-acid change (alanine 147 retained).
Molecular consequence: synonymous variant.
Genome position (GRCh38, 1-based): chr15:80,162,322, G>A. VCF-style: chr15-80162322-G-A. GRCh37 (hg19) VCF-style: chr15-80454664-G-A.
Other names: c.441G>A, p.Ala147= (NM_001374377.1, NM_001374380.1).
Identifiers: ClinVar variation 799022 (VCV000799022.39), dbSNP rs141863249, ClinGen allele CA7691157.